The following is an entry in ClinVar:

NM_000256.3(MYBPC3):c.3751T>G (p.Tyr1251Asp)

Gene: MYBPC3 (myosin binding protein C3; minus strand). Cytogenetic location: 11p11.2.
Variant type: single nucleotide variant.
Coding change: c.3751T>G on transcript NM_000256.3 (MANE Select); coding-DNA position 3751, T replaced by G.
Protein change: p.Tyr1251Asp; replaces tyrosine 1251 with aspartic acid.
Molecular consequence: missense variant.
Genome position (GRCh38, 1-based): chr11:47,332,135, A>C on the plus strand (T>G on the coding strand, the complement: MYBPC3 is on the minus strand). VCF-style: chr11-47332135-A-C. GRCh37 (hg19) VCF-style: chr11-47353686-A-C.
Other names: short protein forms Y1251D.
Identifiers: ClinVar variation 1487450 (VCV001487450.6), dbSNP rs730880601, ClinGen allele CA380310899.

ClinVar aggregate classification (germline): Uncertain significance (1 of 4 stars; one submission).

Conditions:
Hypertrophic cardiomyopathy. Also called: HYPERTROPHIC MYOCARDIOPATHY. Identifiers: Orphanet 217569, MedGen C0007194, MeSH D002312, MONDO:0005045, HP:0001639.

Submission:

Labcorp Genetics (formerly Invitae), Labcorp
Classification: Uncertain significance for Hypertrophic cardiomyopathy. Last evaluated: 2024-02-24. Review status: criteria provided, single submitter. Criteria: Invitae Variant Classification Sherloc (09022015). Collection method: clinical testing. Allele origin: germline.
Comment: This sequence change replaces tyrosine, which is neutral and polar, with aspartic acid, which is acidic and polar, at codon 1251 of the MYBPC3 protein (p.Tyr1251Asp). This variant is not present in population databases (gnomAD no frequency). This variant has not been reported in the literature in individuals affected with MYBPC3-related conditions. ClinVar contains an entry for this variant (Variation ID: 1487450). An algorithm developed to predict the effect of missense changes on protein structure and function (PolyPhen-2) suggests that this variant is likely to be disruptive. This variant disrupts the p.Tyr1251 amino acid residue in MYBPC3. Other variant(s) that disrupt this residue have been determined to be pathogenic (PMID: 25351510, 33782553, 34097875, 36578016). This suggests that this residue is clinically significant, and that variants that disrupt this residue are likely to be disease-causing. In summary, the available evidence is currently insufficient to determine the role of this variant in disease. Therefore, it has been classified as a Variant of Uncertain Significance.

Literature cited by the submitters: PubMed 25351510; PubMed 33782553; PubMed 34097875; PubMed 36578016.